The following is an entry in ClinVar:

ClinVar aggregate classification (germline): Uncertain significance (1 of 4 stars; one submission).

Allele frequency attached by ClinVar (database versions not stated): TOPMed below 0.00001.
gnomAD v4.1: 3 of 1,614,204 alleles (0.00019%); highest among the groups gnomAD compares: Admixed American, 0.005%; no homozygotes.

Submission:

Labcorp Genetics (formerly Invitae), Labcorp
Classification: Uncertain significance. Last evaluated: 2022-06-15. Review status: criteria provided, single submitter. Criteria: Invitae Variant Classification Sherloc (09022015). Collection method: clinical testing. Allele origin: germline.
Comment: In summary, the available evidence is currently insufficient to determine the role of this variant in disease. Therefore, it has been classified as a Variant of Uncertain Significance. Algorithms developed to predict the effect of missense changes on protein structure and function (SIFT, PolyPhen-2, Align-GVGD) all suggest that this variant is likely to be tolerated. This variant has not been reported in the literature in individuals affected with LIG1-related conditions. This variant is present in population databases (rs369263086, gnomAD 0.009%). This sequence change replaces alanine, which is neutral and non-polar, with serine, which is neutral and polar, at codon 60 of the LIG1 protein (p.Ala60Ser).

NM_000234.3(LIG1):c.178G>T (p.Ala60Ser)

Gene: LIG1 (DNA ligase 1; minus strand). Cytogenetic location: 19q13.33.
Variant type: single nucleotide variant.
Coding change: c.178G>T on transcript NM_000234.3 (MANE Select); coding-DNA position 178, G replaced by T.
Protein change: p.Ala60Ser; replaces alanine 60 with serine.
Molecular consequence: missense variant. On other transcripts: non-coding transcript variant (6).
Genome position (GRCh38, 1-based): chr19:48,161,437, C>A on the plus strand (G>T on the coding strand, the complement: LIG1 is on the minus strand). VCF-style: chr19-48161437-C-A. GRCh37 (hg19) VCF-style: chr19-48664694-C-A.
Other names: c.88G>T, p.Ala30Ser (NM_001289063.2, NM_001320971.2); c.178G>T, p.Ala60Ser (NM_001289064.2, NM_001320970.2); short protein forms A60S, A30S.
Identifiers: ClinVar variation 2054537 (VCV002054537.4), dbSNP rs369263086, ClinGen allele CA309285256.